The following is an entry in ClinVar:

NM_001100913.3(PACS2):c.2335G>T (p.Ala779Ser)

Gene: PACS2 (phosphofurin acidic cluster sorting protein 2; plus strand). Cytogenetic location: 14q32.33.
Variant type: single nucleotide variant.
Coding change: c.2335G>T on transcript NM_001100913.3 (MANE Select); coding-DNA position 2335, G replaced by T.
Protein change: p.Ala779Ser; replaces alanine 779 with serine.
Molecular consequence: missense variant.
Genome position (GRCh38, 1-based): chr14:105,392,698, G>T. VCF-style: chr14-105392698-G-T. GRCh37 (hg19) VCF-style: chr14-105859035-G-T.
Other names: c.2065G>T, p.Ala689Ser (NM_001243127.3); c.2290G>T, p.Ala764Ser (NM_015197.4); short protein forms A764S, A779S, A689S.
Identifiers: ClinVar variation 1964278 (VCV001964278.5), dbSNP rs782288505, ClinGen allele CA391186999.
Genomic context (GRCh38, chr14:105,392,698, plus strand): 5'-CTGATGGGGCTGCAGGTGGACTACTGGACGGCAGCACAGCCTGCGGACAGGAAGAGGGAC[G>T]CCGAGAAGAAGGACCTGCCTGTCACCAAAAACACGCTCAAGTGCACTTTCCGGTCCCTCC-3'
Protein context (NP_001094383.2, residues 769-789): AAQPADRKRD[Ala779Ser]EKKDLPVTKN

ClinVar aggregate classification (germline): Uncertain significance (1 of 4 stars; one submission).

Allele frequency attached by ClinVar (database versions not stated): TOPMed 0.00001.
gnomAD v4.1: 28 of 1,612,874 alleles (0.0017%); highest among the groups gnomAD compares: Non-Finnish European, 0.0023%; no homozygotes.

Submission:

Labcorp Genetics (formerly Invitae), Labcorp
Classification: Uncertain significance. Last evaluated: 2024-10-30. Review status: criteria provided, single submitter. Criteria: Invitae Variant Classification Sherloc (09022015). Collection method: clinical testing. Allele origin: germline.
Comment: This sequence change replaces alanine, which is neutral and non-polar, with serine, which is neutral and polar, at codon 779 of the PACS2 protein (p.Ala779Ser). This variant is not present in population databases (gnomAD no frequency). This variant has not been reported in the literature in individuals affected with PACS2-related conditions. ClinVar contains an entry for this variant (Variation ID: 1964278). Invitae Evidence Modeling of protein sequence and biophysical properties (such as structural, functional, and spatial information, amino acid conservation, physicochemical variation, residue mobility, and thermodynamic stability) indicates that this missense variant is not expected to disrupt PACS2 protein function with a negative predictive value of 80%. In summary, the available evidence is currently insufficient to determine the role of this variant in disease. Therefore, it has been classified as a Variant of Uncertain Significance.